The following is an entry in ClinVar:

NM_019075.4(UGT1A10):c.329T>C (p.Met110Thr)

Genes: UGT1A (UDP glucuronosyltransferase family 1 member A complex locus; plus strand), UGT1A10 (UDP glucuronosyltransferase family 1 member A10; plus strand), UGT1A8 (UDP glucuronosyltransferase family 1 member A8; plus strand). Cytogenetic location: 2q37.1.
Variant type: single nucleotide variant.
Coding change: c.329T>C on transcript NM_019075.4 (MANE Select); coding-DNA position 329, T replaced by C.
Protein change: p.Met110Thr; replaces methionine 110 with threonine.
Molecular consequence: missense variant. On other transcripts: intron variant (1).
Genome position (GRCh38, 1-based): chr2:233,636,851, T>C. VCF-style: chr2-233636851-T-C. GRCh37 (hg19) VCF-style: chr2-234545497-T-C.
Other names: c.855+18289T>C (NM_019076.5); short protein forms M110T.
Identifiers: ClinVar variation 3768516 (VCV003768516.1).
Genomic context (GRCh38, chr2:233,636,851, plus strand): 5'-TCATGGTTTTCGCCCATGCTCAATGGAAAGCACAGGCACAAAGTATATTTTCTCTATTAA[T>C]GAGTTCATCCAGTGGTTTTCTTGACTTATTTTTTTCGCATTGCAGGAGTTTGTTTAATGA-3'
Protein context (NP_061948.1, residues 100-120): AQAQSIFSLL[Met110Thr]SSSSGFLDLF

ClinVar aggregate classification (germline): Uncertain significance (1 of 4 stars; one submission).

gnomAD v4.1: 2 of 1,614,126 alleles (0.00012%); highest among the groups gnomAD compares: South Asian, 0.0011%; no homozygotes.

Submission:

Women's Health and Genetics/Laboratory Corporation of America, LabCorp
Classification: Uncertain significance. Last evaluated: 2024-12-19. Review status: criteria provided, single submitter. Criteria: LabCorp Variant Classification Summary - May 2015. Collection method: clinical testing. Allele origin: germline.
Comment: Variant summary: UGT1A10 c.329T>C (p.Met110Thr) results in a non-conservative amino acid change in the encoded protein sequence. Four of five in-silico tools predict a benign effect of the variant on protein function. The variant was absent in 251242 control chromosomes. The available data on variant occurrences in the general population are insufficient to allow any conclusion about variant significance. To our knowledge, no occurrence of c.329T>C in individuals affected with UGT1A10-Related Disorders and no experimental evidence demonstrating its impact on protein function have been reported. No submitters have cited clinical-significance assessments for this variant to ClinVar. Based on the evidence outlined above, the variant was classified as uncertain significance.